The following is an entry in ClinVar:

NM_022369.4(STRA6):c.357C>T (p.Pro119=)

Gene: STRA6 (signaling receptor and transporter of retinol STRA6; minus strand). Cytogenetic location: 15q24.1.
Variant type: single nucleotide variant.
Coding change: c.357C>T on transcript NM_022369.4 (MANE Select); coding-DNA position 357, C replaced by T.
Protein change: p.Pro119=; no amino-acid change (proline 119 retained).
Molecular consequence: synonymous variant.
Genome position (GRCh38, 1-based): chr15:74,196,057, G>A on the plus strand (C>T on the coding strand, the complement: STRA6 is on the minus strand). VCF-style: chr15-74196057-G-A. GRCh37 (hg19) VCF-style: chr15-74488398-G-A.
Other names: c.357C>T, p.Pro119= (NM_001142617.2, NM_001142618.2, NM_001142620.2); c.330C>T, p.Pro110= (NM_001142619.2); c.468C>T, p.Pro156= (NM_001199040.2); c.402C>T, p.Pro134= (NM_001199041.2); c.474C>T, p.Pro158= (NM_001199042.2).
Identifiers: ClinVar variation 287343 (VCV000287343.44), dbSNP rs139775570, ClinGen allele CA7655025.
Genomic context (GRCh38, chr15:74,196,057, plus strand): 5'-TCAGTGGGTACCTTGGCTGGGTGCTGAGGCGAGAGTCAGGAAGGGCAATGCGTCCTCGTC[G>A]GGGAGCAGCAAACACAGGGAGCTCAGGAGGACCATGAAAACAGCAGCAGGCACTGCCCGG-3'
Protein context (NP_071764.3, residues 109-129): VLLSSLCLLL[Pro119=]DEDALPFLTL

ClinVar aggregate classification (germline): Conflicting classifications of pathogenicity. Review status: criteria provided, conflicting classifications (1 of 4 stars). 7 submissions from 7 submitters: Uncertain significance (2); Likely benign (3). 2 of the submissions do not count toward it. Last evaluated 2026-03-01.

Conditions:
Microphthalmia, syndromic 9. Also called: SPEAR SYNDROME; Matthew-Wood syndrome; ANOPHTHALMIA, CLINICAL, WITH MILD FACIAL DYSMORPHISM AND VARIABLE MALFORMATIONS OF THE LUNG, HEART, AND DIAPHRAGM; ANOPHTHALMIA/MICROPHTHALMIA AND PULMONARY HYPOPLASIA; PULMONARY AGENESIS, MICROPHTHALMIA, AND DIAPHRAGMATIC DEFECT. Identifiers: Orphanet 2470, MedGen C1832661, MONDO:0011010, OMIM 601186.

Allele frequency attached by ClinVar (database versions not stated): gnomAD 0.00074 and 0.00100; ESP Exome Variant Server 0.00085; TOPMed 0.00099; gnomAD exomes 0.00101 and 0.00142; ExAC 0.00137.
gnomAD v4.1: 2,173 of 1,613,852 alleles (0.13%); highest among the groups gnomAD compares: Non-Finnish European, 0.17%; 2 homozygotes.

Submissions (7):

CeGaT Center for Human Genetics Tuebingen
Classification: Likely benign. Last evaluated: 2026-03-01. Review status: criteria provided, single submitter. Criteria: CeGaT Center For Human Genetics Tuebingen Variant Classification Criteria Version 2. Collection method: clinical testing. Allele origin: germline. Affected: yes. Observed: 4 variant alleles.
Comment: STRA6: BP4, BP7

Labcorp Genetics (formerly Invitae), Labcorp
Classification: Likely benign for Microphthalmia, syndromic 9. Last evaluated: 2025-07-22. Review status: criteria provided, single submitter. Criteria: Invitae Variant Classification Sherloc (09022015). Collection method: clinical testing. Allele origin: germline.

Blueprint Genetics
Classification: Likely benign. Last evaluated: 2024-11-22. Review status: criteria provided, single submitter. Criteria: ACMG Guidelines, 2015. Collection method: clinical testing. Allele origin: germline.

Illumina Laboratory Services, Illumina
Classification: Uncertain significance for Microphthalmia, syndromic 9. Last evaluated: 2018-01-12. Review status: criteria provided, single submitter. Criteria: ICSL Variant Classification Criteria 13 December 2019. Collection method: clinical testing. Allele origin: germline.

Eurofins Ntd Llc (ga)
Classification: Uncertain significance. Last evaluated: 2016-04-20. Review status: criteria provided, single submitter. Criteria: EGL Classification Definitions 2015. Collection method: clinical testing. Allele origin: germline. Observed: 1 variant allele, 1 heterozygote.

Clinical Genetics DNA and cytogenetics Diagnostics Lab, Erasmus MC, Erasmus Medical Center
Classification: Likely benign. Review status: no assertion criteria provided. Collection method: clinical testing. Allele origin: germline. Affected: yes. Study: VKGL Data-share Consensus. Not counted in ClinVar's aggregate classification.

Genome Diagnostics Laboratory, University Medical Center Utrecht
Classification: Likely benign. Review status: no assertion criteria provided. Collection method: clinical testing. Allele origin: germline. Affected: yes. Study: VKGL Data-share Consensus. Not counted in ClinVar's aggregate classification.